The following is an entry in ClinVar:

ClinVar aggregate classification (germline): Uncertain significance (1 of 4 stars; one submission).

Conditions:
Benign neonatal seizures. Also called: Convulsions benign familial neonatal dominant form; Autosomal dominant form of benign neonatal seizures; Benign familial neonatal seizures; Benign neonatal familial convulsions; Benign familial neonatal epilepsy. Identifiers: Orphanet 1949, MedGen C0220669, MONDO:0016027.

Submission:

Labcorp Genetics (formerly Invitae), Labcorp
Classification: Uncertain significance for Benign neonatal seizures. Last evaluated: 2025-11-18. Review status: criteria provided, single submitter. Criteria: Invitae Variant Classification Sherloc (09022015). Collection method: clinical testing. Allele origin: germline.
Comment: This sequence change replaces histidine, which is basic and polar, with glutamine, which is neutral and polar, at codon 646 of the KCNQ3 protein (p.His646Gln). This variant is not present in population databases (gnomAD no frequency). This variant has not been reported in the literature in individuals affected with KCNQ3-related conditions. ClinVar contains an entry for this variant (Variation ID: 3011016). Invitae Evidence Modeling of protein sequence and biophysical properties (such as structural, functional, and spatial information, amino acid conservation, physicochemical variation, residue mobility, and thermodynamic stability) indicates that this missense variant is not expected to disrupt KCNQ3 protein function with a negative predictive value of 80%. In summary, the available evidence is currently insufficient to determine the role of this variant in disease. Therefore, it has been classified as a Variant of Uncertain Significance.

NM_004519.4(KCNQ3):c.1938C>G (p.His646Gln)

Gene: KCNQ3 (potassium voltage-gated channel subfamily Q member 3; minus strand). Cytogenetic location: 8q24.22.
Variant type: single nucleotide variant.
Coding change: c.1938C>G on transcript NM_004519.4 (MANE Select); coding-DNA position 1938, C replaced by G.
Protein change: p.His646Gln; replaces histidine 646 with glutamine.
Molecular consequence: missense variant.
Genome position (GRCh38, 1-based): chr8:132,129,943, G>C on the plus strand (C>G on the coding strand, the complement: KCNQ3 is on the minus strand). VCF-style: chr8-132129943-G-C. GRCh37 (hg19) VCF-style: chr8-133142190-G-C.
Other names: c.1578C>G, p.His526Gln (NM_001204824.2); short protein forms H526Q, H646Q.
Identifiers: ClinVar variation 3011016 (VCV003011016.3), dbSNP rs759859458, ClinGen allele CA372217294.